The following is an entry in ClinVar:

ClinVar aggregate classification (germline): Uncertain significance (1 of 4 stars; one submission).

Conditions:
Inborn genetic diseases. Identifiers: MedGen C0950123, MeSH D030342.

Submission:

Ambry Genetics
Classification: Uncertain significance for Inborn genetic diseases. Last evaluated: 2025-01-07. Review status: criteria provided, single submitter. Criteria: Ambry Variant Classification Scheme 2023. Collection method: clinical testing. Allele origin: germline.
Comment: The p.M1395T variant (also known as c.4184T>C), located in coding exon 29 of the ANKRD26 gene, results from a T to C substitution at nucleotide position 4184. The methionine at codon 1395 is replaced by threonine, an amino acid with similar properties. This amino acid position is conserved. In addition, this alteration is predicted to be tolerated by in silico analysis. Based on the available evidence, the clinical significance of this variant remains unclear.

NM_014915.3(ANKRD26):c.4184T>C (p.Met1395Thr)

Gene: ANKRD26 (ankyrin repeat domain containing 26; minus strand). Cytogenetic location: 10p12.1.
Variant type: single nucleotide variant.
Coding change: c.4184T>C on transcript NM_014915.3 (MANE Select); coding-DNA position 4184, T replaced by C.
Protein change: p.Met1395Thr; replaces methionine 1395 with threonine.
Molecular consequence: missense variant.
Genome position (GRCh38, 1-based): chr10:27,022,589, A>G on the plus strand (T>C on the coding strand, the complement: ANKRD26 is on the minus strand). VCF-style: chr10-27022589-A-G. GRCh37 (hg19) VCF-style: chr10-27311518-A-G.
Other names: c.4181T>C, p.Met1394Thr (NM_001256053.2); short protein forms M1394T, M1395T.
Identifiers: ClinVar variation 3870105 (VCV003870105.1).